The following is an entry in ClinVar:

NM_015836.4(WARS2):c.833T>G (p.Val278Gly)

Gene: WARS2 (tryptophanyl tRNA synthetase 2, mitochondrial; minus strand). Cytogenetic location: 1p12.
Variant type: single nucleotide variant.
Coding change: c.833T>G on transcript NM_015836.4 (MANE Select); coding-DNA position 833, T replaced by G.
Protein change: p.Val278Gly; replaces valine 278 with glycine.
Molecular consequence: missense variant. On other transcripts: 3 prime UTR variant (2).
Genome position (GRCh38, 1-based): chr1:119,033,161, A>C on the plus strand (T>G on the coding strand, the complement: WARS2 is on the minus strand). VCF-style: chr1-119033161-A-C. GRCh37 (hg19) VCF-style: chr1-119575784-A-C.
Other names: c.764T>G, p.Val255Gly (NM_001378226.1, NM_001378227.1); c.662T>G, p.Val221Gly (NM_001378228.1); c.575T>G, p.Val192Gly (NM_001378229.1); c.551T>G, p.Val184Gly (NM_001378230.1); c.*168T>G (NM_001378231.1); c.*199T>G (NM_201263.2); short protein forms V278G, V184G, V192G, V221G, V255G.
Identifiers: ClinVar variation 1341955 (VCV001341955.4), dbSNP rs765904496, ClinGen allele CA1035208.
Genomic context (GRCh38, chr1:119,033,161, plus strand): 5'-TTCATGCCCGCGCTGCGGCGCACCACTTCCTCCACGGAGAGCCCCGTCACCGCGGCATGC[A>C]CCGCCACTATGTTGGACACGCCAGCGCGGCCAGCCGGGTCATAGGTGACCTCCGAGGTGA-3'
Protein context (NP_056651.1, residues 268-288): GRAGVSNIVA[Val278Gly]HAAVTGLSVE

ClinVar aggregate classification (germline): Likely pathogenic. Review status: criteria provided, multiple submitters, no conflicts (2 of 4 stars). 4 submissions from 4 submitters: Likely pathogenic (3). 1 of the submissions does not count toward it. Last evaluated 2025-08-11.

Conditions:
Neurodevelopmental disorder, mitochondrial, with abnormal movements and lactic acidosis, with or without seizures. Identifiers: Orphanet 572798, MedGen C4540192, MONDO:0060578, OMIM 617710.

Allele frequency attached by ClinVar (database versions not stated): gnomAD 0.00002; gnomAD exomes 0.00007 and 0.00017; ExAC 0.00031.
gnomAD v4.1: 104 of 1,613,702 alleles (0.0064%); highest among the groups gnomAD compares: Non-Finnish European, 0.0082%; no homozygotes.

Submissions (4):

Labcorp Genetics (formerly Invitae), Labcorp
Classification: Likely pathogenic. Last evaluated: 2025-08-11. Review status: criteria provided, single submitter. Criteria: Invitae Variant Classification Sherloc (09022015). Collection method: clinical testing. Allele origin: germline.
Comment: This sequence change replaces valine, which is neutral and non-polar, with glycine, which is neutral and non-polar, at codon 278 of the WARS2 protein (p.Val278Gly). This variant is present in population databases (rs765904496, gnomAD 0.04%). This missense change has been observed in individual(s) with WARS2-related conditions (PMID: 30920170, 35074316). In at least one individual the data is consistent with being in trans (on the opposite chromosome) from a pathogenic variant. It has also been observed to segregate with disease in related individuals. ClinVar contains an entry for this variant (Variation ID: 1341955). Invitae Evidence Modeling of protein sequence and biophysical properties (such as structural, functional, and spatial information, amino acid conservation, physicochemical variation, residue mobility, and thermodynamic stability) indicates that this missense variant is not expected to disrupt WARS2 protein function with a negative predictive value of 80%. Experimental studies have shown that this missense change affects WARS2 function (PMID: 30920170). In summary, the currently available evidence indicates that the variant is pathogenic, but additional data are needed to prove that conclusively. Therefore, this variant has been classified as Likely Pathogenic.

Variantyx, Inc.
Classification: Likely pathogenic for Neurodevelopmental disorder, mitochondrial, with abnormal movements and lactic acidosis, with or without seizures. Last evaluated: 2025-04-03. Review status: criteria provided, single submitter. Criteria: Variantyx Assertion Criteria 2022. Collection method: clinical testing. Allele origin: germline. Inheritance: Autosomal recessive inheritance. Affected: yes.
Comment: This is a nonsynonymous variant in the WARS2 gene (OMIM: 604733). Pathogenic variants in this gene have been associated with autosomal recessive mitochondrial neurodevelopmental disorder, with abnormal movements and lactic acidosis, with or without seizures. This variant has been identified in the homozygous or compound heterozygous state in at least two individuals reported in the published literature (PMID: 30920170), (PM3). Functional studies have shown that this variant alters WARS2 protein function (PMID: 30920170) (PS3). This variant has a 0.0082% maximum allele frequency in non-founder control populations (PM2). Based on the current evidence, this variant is classified as likely pathogenic for autosomal recessive mitochondrial neurodevelopmental disorder, with abnormal movements and lactic acidosis, with or without seizures.

GeneDx
Classification: Likely pathogenic. Last evaluated: 2022-03-21. Review status: criteria provided, single submitter. Criteria: GeneDx Variant Classification Process June 2021. Collection method: clinical testing. Allele origin: germline. Affected: yes.
Comment: Published functional studies demonstrate a damaging effect resulting in an impairment of OXPHOS growth (Maffezzini et al., 2019); In silico analysis supports that this missense variant has a deleterious effect on protein structure/function; This variant is associated with the following publications: (PMID: 35074316, 33726816, 34890876, 30920170)

OMIM
Classification: Pathogenic for NEURODEVELOPMENTAL DISORDER, MITOCHONDRIAL, WITH ABNORMAL MOVEMENTS AND LACTIC ACIDOSIS, WITH OR WITHOUT SEIZURES. Last evaluated: 2022-02-17. Review status: no assertion criteria provided. Collection method: literature only. Allele origin: germline. Not counted in ClinVar's aggregate classification.

Literature cited by the submitters: PubMed 30920170 (cited by 3 submitters); PubMed 35074316 (cited by Labcorp Genetics (formerly Invitae), Labcorp and OMIM).